The following is an entry in ClinVar:

ClinVar aggregate classification (germline): Uncertain significance. Review status: criteria provided, multiple submitters, no conflicts (2 of 4 stars). 2 submissions from 2 submitters: Uncertain significance (2). Last evaluated 2025-02-22.

Submissions (2):

Labcorp Genetics (formerly Invitae), Labcorp
Classification: Uncertain significance. Last evaluated: 2025-02-22. Review status: criteria provided, single submitter. Criteria: Invitae Variant Classification Sherloc (09022015). Collection method: clinical testing. Allele origin: germline.
Comment: This sequence change replaces lysine, which is basic and polar, with glutamine, which is neutral and polar, at codon 426 of the GABRB1 protein (p.Lys426Gln). This variant is not present in population databases (gnomAD no frequency). This variant has not been reported in the literature in individuals affected with GABRB1-related conditions. ClinVar contains an entry for this variant (Variation ID: 2812881). Invitae Evidence Modeling of protein sequence and biophysical properties (such as structural, functional, and spatial information, amino acid conservation, physicochemical variation, residue mobility, and thermodynamic stability) indicates that this missense variant is not expected to disrupt GABRB1 protein function with a negative predictive value of 80%. In summary, the available evidence is currently insufficient to determine the role of this variant in disease. Therefore, it has been classified as a Variant of Uncertain Significance.

Blueprint Genetics
Classification: Uncertain significance. Last evaluated: 2024-06-28. Review status: criteria provided, single submitter. Criteria: ACMG Guidelines, 2015. Collection method: clinical testing. Allele origin: germline.

NM_000812.4(GABRB1):c.1276A>C (p.Lys426Gln)

Gene: GABRB1 (gamma-aminobutyric acid type A receptor subunit beta1; plus strand). Cytogenetic location: 4p12.
Variant type: single nucleotide variant.
Coding change: c.1276A>C on transcript NM_000812.4 (MANE Select); coding-DNA position 1276, A replaced by C.
Protein change: p.Lys426Gln; replaces lysine 426 with glutamine.
Molecular consequence: missense variant.
Genome position (GRCh38, 1-based): chr4:47,425,869, A>C. VCF-style: chr4-47425869-A-C. GRCh37 (hg19) VCF-style: chr4-47427886-A-C.
Other names: short protein forms K426Q.
Identifiers: ClinVar variation 2812881 (VCV002812881.4), dbSNP rs1729271110, ClinGen allele CA356767549.